The following is an entry in ClinVar:

NM_002025.4(AFF2):c.3586G>T (p.Val1196Phe)

Gene: AFF2 (ALF transcription elongation factor 2; plus strand). Cytogenetic location: Xq28.
Variant type: single nucleotide variant.
Coding change: c.3586G>T on transcript NM_002025.4 (MANE Select); coding-DNA position 3586, G replaced by T.
Protein change: p.Val1196Phe; replaces valine 1196 with phenylalanine.
Molecular consequence: missense variant.
Genome position (GRCh38, 1-based): chrX:148,980,753, G>T. VCF-style: chrX-148980753-G-T. GRCh37 (hg19) VCF-style: chrX-148062283-G-T.
Other names: c.3481G>T, p.Val1161Phe (NM_001169122.2, NM_001169124.2); c.3556G>T, p.Val1186Phe (NM_001169123.2); c.3469G>T, p.Val1157Phe (NM_001169125.2); c.2509G>T, p.Val837Phe (NM_001170628.1); short protein forms V1157F, V1161F, V1186F, V1196F, V837F.
Identifiers: ClinVar variation 3903152 (VCV003903152.1).

ClinVar aggregate classification (germline): Uncertain significance (1 of 4 stars; one submission).

Submission:

GeneDx
Classification: Uncertain significance. Last evaluated: 2024-12-15. Review status: criteria provided, single submitter. Criteria: GeneDx Variant Classification Process June 2021. Collection method: clinical testing. Allele origin: germline. Affected: yes.
Comment: Not observed at significant frequency in large population cohorts (gnomAD); In silico analysis indicates that this missense variant does not alter protein structure/function; Has not been previously published as pathogenic or benign to our knowledge